The following is an entry in ClinVar:

ClinVar aggregate classification (germline): Benign. Review status: criteria provided, multiple submitters, no conflicts (2 of 4 stars). 3 submissions from 3 submitters: Benign (3). Last evaluated 2023-11-12.

Conditions:
Combined immunodeficiency due to CTPS1 deficiency. Also called: Severe combined immunodeficiency due to CTPS1 deficiency; Immunodeficiency 24. Identifiers: Orphanet 420573, MedGen C4014617, MONDO:0014391, OMIM 615897.

Allele frequency attached by ClinVar (database versions not stated): ESP Exome Variant Server 0.46240; gnomAD 0.47426 and 0.46857; ExAC 0.53776; gnomAD exomes 0.53710; 1000 Genomes Project 30x 0.46330; 1000 Genomes Project 0.46785; TOPMed 0.47173.
gnomAD v4.1: 834,725 of 1,527,940 alleles (55%); highest among the groups gnomAD compares: Admixed American, 63%; 232,519 homozygotes.

Submissions (4):

Unidad de Genómica Garrahan, Hospital de Pediatría Garrahan
Classification: Benign. Last evaluated: 2023-11-12. Review status: criteria provided, single submitter. Criteria: ACMG Guidelines, 2015. Collection method: clinical testing. Allele origin: germline. Affected: no. Observed: 75 variant alleles.
Comment: This variant is classified as Benign based on local population frequency. This variant was detected in 78% of patients studied by a panel of primary immunodeficiencies. Number of patients: 75. Only high quality variants are reported.

Genome-Nilou Lab
Classification: Benign for Combined immunodeficiency due to CTPS1 deficiency. Last evaluated: 2021-07-30. Review status: criteria provided, single submitter. Criteria: ACMG Guidelines, 2015. Collection method: clinical testing. Allele origin: germline. Affected: no.

Breakthrough Genomics
Classification: Benign. Review status: criteria provided, single submitter. Criteria: ACMG Guidelines, 2015. Collection method: not provided. Allele origin: germline. Inheritance: Autosomal recessive inheritance. Affected: yes.

Dr. Peter K. Rogan Lab, Western University
No classification provided (evidence only). Condition: Hepatocellular carcinoma. Review status: no classification provided. Collection method: in vitro. Allele origin: not applicable. Functional consequence: retained intron. Not counted in ClinVar's aggregate classification.

NM_001905.4(CTPS1):c.1547-32A>G

Gene: CTPS1 (CTP synthase 1; plus strand). Cytogenetic location: 1p34.2.
Variant type: single nucleotide variant.
Coding change: c.1547-32A>G on transcript NM_001905.4 (MANE Select); 32 bases into the intron before coding-DNA position 1547, A replaced by G.
Molecular consequence: intron variant.
Genome position (GRCh38, 1-based): chr1:41,009,413, A>G. VCF-style: chr1-41009413-A-G. GRCh37 (hg19) VCF-style: chr1-41475085-A-G.
Other names: NC_000001.10:g.41475085A>G; c.1079-32A>G (NM_001301237.2).
Identifiers: ClinVar variation 1255416 (VCV001255416.6), dbSNP rs12144160, ClinGen allele CA795570.